The following is an entry in ClinVar:

ClinVar aggregate classification (germline): Likely benign (1 of 4 stars; one submission).

gnomAD v4.1: 163 of 1,614,214 alleles (0.01%); highest among the groups gnomAD compares: South Asian, 0.15%; no homozygotes.

Submission:

CeGaT Center for Human Genetics Tuebingen
Classification: Likely benign. Last evaluated: 2024-10-01. Review status: criteria provided, single submitter. Criteria: CeGaT Center For Human Genetics Tuebingen Variant Classification Criteria Version 2. Collection method: clinical testing. Allele origin: germline. Affected: yes. Observed: 1 variant allele.
Comment: UTP14C: BP4, BP7

NM_021645.6(UTP14C):c.1527G>A (p.Leu509=)

Genes: ALG11 (ALG11 alpha-1,2-mannosyltransferase; plus strand), UTP14C (UTP14C small subunit processome component; plus strand). Cytogenetic location: 13q14.3.
Variant type: single nucleotide variant.
Coding change: c.1527G>A on transcript NM_021645.6 (MANE Select); coding-DNA position 1527, G replaced by A.
Protein change: p.Leu509=; no amino-acid change (leucine 509 retained).
Molecular consequence: synonymous variant. On other transcripts: 3 prime UTR variant (1), non-coding transcript variant (1).
Genome position (GRCh38, 1-based): chr13:52,030,331, G>A. VCF-style: chr13-52030331-G-A. GRCh37 (hg19) VCF-style: chr13-52604467-G-A.
Other names: c.*1741G>A (NM_001004127.3).
Identifiers: ClinVar variation 3388645 (VCV003388645.14).
Genomic context (GRCh38, chr13:52,030,331, plus strand): 5'-ACCTGCCCCAGAAGAAGCGGAACCCCTATTGCTACAGAGGTCAGAGAGAGTACAAACTCT[G>A]GAAGAGCTAGAAGAGCTGGGAAAAGAAGATTGTTTTCAAAATAAGGAGCTTCCCAGACCT-3'
Protein context (NP_067677.4, residues 499-519): LLQRSERVQT[Leu509=]EELEELGKED